The following is an entry in ClinVar:

NM_002755.4(MAP2K1):c.608A>T (p.Glu203Val)

Gene: MAP2K1 (mitogen-activated protein kinase kinase 1; plus strand). Cytogenetic location: 15q22.31.
Variant type: single nucleotide variant.
Coding change: c.608A>T on transcript NM_002755.4 (MANE Select); coding-DNA position 608, A replaced by T.
Protein change: p.Glu203Val; replaces glutamic acid 203 with valine.
Molecular consequence: missense variant.
Genome position (GRCh38, 1-based): chr15:66,481,794, A>T. VCF-style: chr15-66481794-A-T. GRCh37 (hg19) VCF-style: chr15-66774132-A-T.
Other names: c.464A>T, p.Glu155Val (NM_001411065.1); short protein forms E155V, E203V.
Identifiers: ClinVar variation 3375745 (VCV003375745.1).

ClinVar aggregate classification (germline): Pathogenic (1 of 4 stars; one submission).

Submission:

GeneDx
Classification: Pathogenic. Last evaluated: 2024-05-07. Review status: criteria provided, single submitter. Criteria: GeneDx Variant Classification Process June 2021. Collection method: clinical testing. Allele origin: germline. Affected: yes.
Comment: Not observed at significant frequency in large population cohorts (gnomAD); In silico analysis supports that this missense variant has a deleterious effect on protein structure/function; Missense variants in this gene are a common cause of disease and they are underrepresented in the general population; Has not been previously published as pathogenic or benign to our knowledge; This variant is associated with the following publications: (PMID: 18456719)